The following is an entry in ClinVar:

NM_013391.3(DMGDH):c.1815-5C>T

Gene: DMGDH (dimethylglycine dehydrogenase; minus strand). Cytogenetic location: 5q14.1.
Variant type: single nucleotide variant.
Coding change: c.1815-5C>T on transcript NM_013391.3 (MANE Select); 5 bases into the intron before coding-DNA position 1815, C replaced by T.
Molecular consequence: intron variant.
Genome position (GRCh38, 1-based): chr5:79,028,655, G>A on the plus strand (C>T on the coding strand, the complement: DMGDH is on the minus strand). VCF-style: chr5-79028655-G-A. GRCh37 (hg19) VCF-style: chr5-78324478-G-A.
Identifiers: ClinVar variation 387454 (VCV000387454.3), dbSNP rs371689941, ClinGen allele CA3318607.

ClinVar aggregate classification (germline): Likely benign. Review status: criteria provided, single submitter (1 of 4 stars). 2 submissions from 2 submitters: Likely benign (1). 1 of the submissions does not count toward it. Last evaluated 2017-07-17.

Conditions:
DMGDH-related disorder. Also called: DMGDH-related condition.

Allele frequency attached by ClinVar (database versions not stated): ESP Exome Variant Server 0.00046; gnomAD 0.00013; ExAC 0.00027; TOPMed 0.00030; gnomAD exomes 0.00031.
gnomAD v4.1: 388 of 1,613,672 alleles (0.024%); highest among the groups gnomAD compares: Non-Finnish European, 0.018%; no homozygotes.

Submissions (2):

GeneDx
Classification: Likely benign. Last evaluated: 2017-07-17. Review status: criteria provided, single submitter. Criteria: GeneDx Variant Classification (06012015). Collection method: clinical testing. Allele origin: germline. Affected: yes.
Comment: This variant is considered likely benign or benign based on one or more of the following criteria: it is a conservative change, it occurs at a poorly conserved position in the protein, it is predicted to be benign by multiple in silico algorithms, and/or has population frequency not consistent with disease.

PreventionGenetics, part of Exact Sciences
Classification: Likely benign for DMGDH-related condition. Last evaluated: 2019-05-16. Review status: no assertion criteria provided. Collection method: clinical testing. Allele origin: germline. Not counted in ClinVar's aggregate classification.
Comment: This variant is classified as likely benign based on ACMG/AMP sequence variant interpretation guidelines (Richards et al. 2015 PMID: 25741868, with internal and published modifications).